The following is an entry in ClinVar:

NM_000487.6(ARSA):c.1435G>A (p.Val479Met)

Gene: ARSA (arylsulfatase A; minus strand). Cytogenetic location: 22q13.33.
Variant type: single nucleotide variant.
Coding change: c.1435G>A on transcript NM_000487.6 (MANE Select); coding-DNA position 1435, G replaced by A.
Protein change: p.Val479Met; replaces valine 479 with methionine.
Molecular consequence: missense variant.
Genome position (GRCh38, 1-based): chr22:50,625,240, C>T on the plus strand (G>A on the coding strand, the complement: ARSA is on the minus strand). VCF-style: chr22-50625240-C-T. GRCh37 (hg19) VCF-style: chr22-51063668-C-T.
Other names: c.1435G>A, p.Val479Met (NM_001085425.3, NM_001085426.3, NM_001085427.3); c.1177G>A, p.Val393Met (NM_001085428.3, NM_001362782.2); short protein forms V393M, V479M.
Identifiers: ClinVar variation 2197456 (VCV002197456.3), dbSNP rs985877264, ClinGen allele CA325531190.

ClinVar aggregate classification (germline): Uncertain significance (1 of 4 stars; one submission).

Conditions:
Metachromatic leukodystrophy (MLD). Also called: METACHROMATIC LEUKOENCEPHALOPATHY; SULFATIDE LIPIDOSIS; ARSA DEFICIENCY; CEREBROSIDE SULFATASE DEFICIENCY; Arylsulfatase A Deficiency; Cerebral sclerosis diffuse metachromatic form. Identifiers: Orphanet 512, MedGen C0023522, MONDO:0018868, OMIM 250100.

Allele frequency attached by ClinVar (database versions not stated): gnomAD exomes below 0.00001; gnomAD 0.00001; TOPMed 0.00003.

Submission:

Labcorp Genetics (formerly Invitae), Labcorp
Classification: Uncertain significance for Metachromatic leukodystrophy. Last evaluated: 2022-07-12. Review status: criteria provided, single submitter. Criteria: Invitae Variant Classification Sherloc (09022015). Collection method: clinical testing. Allele origin: germline.
Comment: This sequence change replaces valine, which is neutral and non-polar, with methionine, which is neutral and non-polar, at codon 479 of the ARSA protein (p.Val479Met). This variant is present in population databases (no rsID available, gnomAD 0.008%). This variant has not been reported in the literature in individuals affected with ARSA-related conditions. Algorithms developed to predict the effect of missense changes on protein structure and function output the following: SIFT: "Tolerated"; PolyPhen-2: "Benign"; Align-GVGD: "Class C0". The methionine amino acid residue is found in multiple mammalian species, which suggests that this missense change does not adversely affect protein function. In summary, the available evidence is currently insufficient to determine the role of this variant in disease. Therefore, it has been classified as a Variant of Uncertain Significance.